The following is an entry in ClinVar:

ClinVar aggregate classification (germline): Likely benign. Review status: criteria provided, multiple submitters, no conflicts (2 of 4 stars). 3 submissions from 3 submitters: Likely benign (2). 1 of the submissions does not count toward it. Last evaluated 2026-01-22.

Conditions:
DOCK8-related disorder. Also called: DOCK8-related condition.
Combined immunodeficiency due to DOCK8 deficiency (HIES2). Also called: HIES autosomal recessive; HYPER-IgE SYNDROME 2, AUTOSOMAL RECESSIVE, WITH RECURRENT INFECTIONS; Hyper-IgE recurrent infection syndrome, autosomal recessive; HYPER-IgE RECURRENT INFECTION SYNDROME 2, AUTOSOMAL RECESSIVE; DOCK8 Deficiency. Identifiers: Orphanet 217390, MedGen C4722305, MONDO:0009478, OMIM 243700.

Allele frequency attached by ClinVar (database versions not stated): gnomAD 0.00020 and 0.00021; TOPMed 0.00025; ESP Exome Variant Server 0.00031; 1000 Genomes Project 0.00080; 1000 Genomes Project 30x 0.00109.
gnomAD v4.1: 98 of 1,614,160 alleles (0.0061%); highest among the groups gnomAD compares: African/African-American, 0.057%; no homozygotes.

Submissions (3):

Labcorp Genetics (formerly Invitae), Labcorp
Classification: Likely benign for Combined immunodeficiency due to DOCK8 deficiency. Last evaluated: 2026-01-22. Review status: criteria provided, single submitter. Criteria: Invitae Variant Classification Sherloc (09022015). Collection method: clinical testing. Allele origin: germline.

Blueprint Genetics
Classification: Likely benign. Last evaluated: 2023-10-03. Review status: criteria provided, single submitter. Criteria: ACMG Guidelines, 2015. Collection method: clinical testing. Allele origin: germline.

PreventionGenetics, part of Exact Sciences
Classification: Likely benign for DOCK8-related condition. Last evaluated: 2019-08-14. Review status: no assertion criteria provided. Collection method: clinical testing. Allele origin: germline. Not counted in ClinVar's aggregate classification.
Comment: This variant is classified as likely benign based on ACMG/AMP sequence variant interpretation guidelines (Richards et al. 2015 PMID: 25741868, with internal and published modifications).

NM_203447.4(DOCK8):c.3867C>T (p.Asn1289=)

Gene: DOCK8 (dedicator of cytokinesis 8; plus strand). Cytogenetic location: 9p24.3.
Variant type: single nucleotide variant.
Coding change: c.3867C>T on transcript NM_203447.4 (MANE Select); coding-DNA position 3867, C replaced by T.
Protein change: p.Asn1289=; no amino-acid change (asparagine 1289 retained).
Molecular consequence: synonymous variant.
Genome position (GRCh38, 1-based): chr9:420,427, C>T. VCF-style: chr9-420427-C-T. GRCh37 (hg19) VCF-style: chr9-420427-C-T.
Other names: c.3567C>T, p.Asn1189= (NM_001190458.2); c.3663C>T, p.Asn1221= (NM_001193536.2); c.3867C>T (NM_203447.3).
Identifiers: ClinVar variation 1103034 (VCV001103034.12), dbSNP rs146984705, ClinGen allele CA4958863.